The following is an entry in ClinVar:

ClinVar aggregate classification (germline): Likely pathogenic (1 of 4 stars; one submission).

gnomAD v4.1: 1 of 1,614,154 alleles (0.000062%); highest among the groups gnomAD compares: Non-Finnish European, 0.000085%; no homozygotes.

Submission:

GeneDx
Classification: Likely pathogenic. Last evaluated: 2025-04-30. Review status: criteria provided, single submitter. Criteria: GeneDx Variant Classification Process June 2021. Collection method: clinical testing. Allele origin: germline. Affected: yes.
Comment: In silico analysis supports that this missense variant has a deleterious effect on protein structure/function; Not observed at significant frequency in large population cohorts (gnomAD); This variant is associated with the following publications: (PMID: 25033069, 33650466, Canbek2024[article])

NM_001166114.2(PNPLA6):c.3494C>G (p.Ser1165Cys)

Gene: PNPLA6 (patatin like domain 6, lysophospholipase; plus strand). Cytogenetic location: 19p13.2.
Variant type: single nucleotide variant.
Coding change: c.3494C>G on transcript NM_001166114.2 (MANE Select); coding-DNA position 3494, C replaced by G.
Protein change: p.Ser1165Cys; replaces serine 1165 with cysteine.
Molecular consequence: missense variant.
Genome position (GRCh38, 1-based): chr19:7,558,946, C>G. VCF-style: chr19-7558946-C-G. GRCh37 (hg19) VCF-style: chr19-7623832-C-G.
Other names: c.3524C>G, p.Ser1175Cys (NM_001166111.2); c.3299C>G, p.Ser1100Cys (NM_001166112.2); c.3380C>G, p.Ser1127Cys (NM_001166113.1, NM_006702.5); short protein forms S1100C, S1127C, S1165C, S1175C.
Identifiers: ClinVar variation 4528248 (VCV004528248.1).